The following is an entry in ClinVar:

NC_000007.13:g.(?_6031594)_(6049099_?)del

Genes: AIMP2 (aminoacyl tRNA synthetase complex interacting multifunctional protein 2; plus strand), PMS2 (PMS1 homolog 2, mismatch repair system component; minus strand). Cytogenetic location: 7p22.1.
Variant type: Deletion.
Identifiers: ClinVar variation 1072972 (VCV001072972.6).

ClinVar aggregate classification (germline): Pathogenic (1 of 4 stars; one submission).

Conditions:
Hereditary nonpolyposis colorectal neoplasms. Identifiers: MedGen C0009405, MeSH D003123.

Submission:

Labcorp Genetics (formerly Invitae), Labcorp
Classification: Pathogenic for Hereditary nonpolyposis colorectal neoplasms. Last evaluated: 2022-07-19. Review status: criteria provided, single submitter. Criteria: Invitae Variant Classification Sherloc (09022015). Collection method: clinical testing. Allele origin: germline.
Comment: For these reasons, this variant has been classified as Pathogenic. This variant has not been reported in the literature in individuals affected with PMS2-related conditions. This variant is a gross deletion of the genomic region encompassing exon(s) 1-9 of the PMS2 gene, which includes the initiator codon. This deletion extends beyond the assayed region for this gene and therefore may encompass additional genes. It is expected to result in an absent or disrupted protein product. Loss-of-function variants in PMS2 are known to be pathogenic (PMID: 21376568, 24362816).

Literature cited by the submitters: PubMed 21376568; PubMed 24362816.